The following is an entry in ClinVar:

NM_005732.4(RAD50):c.3763A>C (p.Ser1255Arg)

Genes: RAD50 (RAD50 double strand break repair protein; plus strand), TH2-LCR (Th2 cytokine locus control region; plus strand), TH2LCRR (T helper type 2 locus control region associated RNA; minus strand). Cytogenetic location: 5q31.1.
Variant type: single nucleotide variant.
Coding change: c.3763A>C on transcript NM_005732.4 (MANE Select); coding-DNA position 3763, A replaced by C.
Protein change: p.Ser1255Arg; replaces serine 1255 with arginine.
Molecular consequence: missense variant.
Genome position (GRCh38, 1-based): chr5:132,642,188, A>C. VCF-style: chr5-132642188-A-C. GRCh37 (hg19) VCF-style: chr5-131977880-A-C.
Other names: short protein forms S1255R.
Identifiers: ClinVar variation 3942205 (VCV003942205.1).

ClinVar aggregate classification (germline): Uncertain significance (1 of 4 stars; one submission).

Conditions:
Hereditary cancer-predisposing syndrome. Also called: Tumor predisposition; Hereditary neoplastic syndrome; Hereditary Cancer Syndrome; Neoplastic Syndromes, Hereditary. Identifiers: Orphanet 140162, MedGen C0027672, MeSH D009386, MONDO:0015356.

Submission:

Ambry Genetics
Classification: Uncertain significance for Hereditary cancer-predisposing syndrome. Last evaluated: 2025-05-27. Review status: criteria provided, single submitter. Criteria: Ambry Variant Classification Scheme 2023. Collection method: clinical testing. Allele origin: germline.
Comment: The p.S1255R variant (also known as c.3763A>C), located in coding exon 25 of the RAD50 gene, results from an A to C substitution at nucleotide position 3763. The serine at codon 1255 is replaced by arginine, an amino acid with dissimilar properties. This amino acid position is conserved. In addition, the in silico prediction for this alteration is inconclusive. Based on the available evidence, the clinical significance of this variant remains unclear.